The following is an entry in ClinVar:

ClinVar aggregate classification (germline): Conflicting classifications of pathogenicity. Review status: criteria provided, conflicting classifications (1 of 4 stars). 4 submissions from 4 submitters: Uncertain significance (1); Likely benign (2). 1 of the submissions does not count toward it. Last evaluated 2024-12-26.

Conditions:
GLI2-related disorder. Also called: GLI2-related disorders; GLI2-related condition.
Holoprosencephaly 9 (HPE9). Also called: HOLOPROSENCEPHALY WITH MICROPHTHALMIA AND FIRST BRANCHIAL ARCH ANOMALIES; PITUITARY ANOMALIES WITH HOLOPROSENCEPHALY-LIKE FEATURES. Identifiers: Orphanet 2162, MedGen C1835819, MONDO:0012563, OMIM 610829.
Postaxial polydactyly-anterior pituitary anomalies-facial dysmorphism syndrome. Also called: Culler-Jones syndrome. Identifiers: Orphanet 420584, MedGen C4014479, MONDO:0014369, OMIM 615849.

Allele frequency attached by ClinVar (database versions not stated): gnomAD exomes 0.00007 and 0.00011; ExAC 0.00011; gnomAD 0.00013; TOPMed 0.00014; ESP Exome Variant Server 0.00031.
gnomAD v4.1: 127 of 1,613,632 alleles (0.0079%); highest among the groups gnomAD compares: African/African-American, 0.027%; no homozygotes.

Submissions (4):

Labcorp Genetics (formerly Invitae), Labcorp
Classification: Likely benign for Postaxial polydactyly-anterior pituitary anomalies-facial dysmorphism syndrome; Holoprosencephaly 9. Last evaluated: 2024-12-26. Review status: criteria provided, single submitter. Criteria: Invitae Variant Classification Sherloc (09022015). Collection method: clinical testing. Allele origin: germline.

Blueprint Genetics
Classification: Likely benign. Last evaluated: 2024-01-17. Review status: criteria provided, single submitter. Criteria: ACMG Guidelines, 2015. Collection method: clinical testing. Allele origin: germline.

Illumina Laboratory Services, Illumina
Classification: Uncertain significance for Holoprosencephaly 9. Last evaluated: 2018-01-12. Review status: criteria provided, single submitter. Criteria: ICSL Variant Classification Criteria 13 December 2019. Collection method: clinical testing. Allele origin: germline.

PreventionGenetics, part of Exact Sciences
Classification: Likely benign for GLI2-related condition. Last evaluated: 2021-05-12. Review status: no assertion criteria provided. Collection method: clinical testing. Allele origin: germline. Not counted in ClinVar's aggregate classification.
Comment: This variant is classified as likely benign based on ACMG/AMP sequence variant interpretation guidelines (Richards et al. 2015 PMID: 25741868, with internal and published modifications).

NM_001374353.1(GLI2):c.4293C>T (p.Tyr1431=)

Gene: GLI2 (GLI family zinc finger 2; plus strand). Cytogenetic location: 2q14.2.
Variant type: single nucleotide variant.
Coding change: c.4293C>T on transcript NM_001374353.1 (MANE Select); coding-DNA position 4293, C replaced by T.
Protein change: p.Tyr1431=; no amino-acid change (tyrosine 1431 retained).
Molecular consequence: synonymous variant.
Genome position (GRCh38, 1-based): chr2:120,990,258, C>T. VCF-style: chr2-120990258-C-T. GRCh37 (hg19) VCF-style: chr2-121747834-C-T.
Other names: c.4344C>T, p.Tyr1448= (NM_001371271.1, NM_005270.5); c.3918C>T, p.Tyr1306= (NM_001374354.1).
Identifiers: ClinVar variation 330996 (VCV000330996.16), dbSNP rs374166743, ClinGen allele CA1852602.